The following is an entry in ClinVar:

NM_001382391.1(CSPP1):c.2377G>C (p.Glu793Gln)

Gene: CSPP1 (centrosome and spindle pole associated protein 1; plus strand). Cytogenetic location: 8q13.2.
Variant type: single nucleotide variant.
Coding change: c.2377G>C on transcript NM_001382391.1 (MANE Select); coding-DNA position 2377, G replaced by C.
Protein change: p.Glu793Gln; replaces glutamic acid 793 with glutamine.
Molecular consequence: missense variant.
Genome position (GRCh38, 1-based): chr8:67,158,582, G>C. VCF-style: chr8-67158582-G-C. GRCh37 (hg19) VCF-style: chr8-68070817-G-C.
Other names: c.1327G>C, p.Glu443Gln (NM_001291339.2); c.2296G>C, p.Glu766Gln (NM_001363131.2); c.2182G>C, p.Glu728Gln (NM_001363132.2); c.2101G>C, p.Glu701Gln (NM_001363133.2); c.2443G>C, p.Glu815Gln (NM_001364869.1); c.2263G>C, p.Glu755Gln (NM_001364870.1); c.2362G>C, p.Glu788Gln (NM_024790.7); short protein forms E701Q, E788Q, E815Q, E443Q, E728Q, E793Q, E766Q, E755Q.
Identifiers: ClinVar variation 1902379 (VCV001902379.5), dbSNP rs1403521788, ClinGen allele CA371189096.

ClinVar aggregate classification (germline): Uncertain significance (1 of 4 stars; one submission).

Conditions:
Joubert syndrome 21 (JBTS21). Identifiers: MedGen C3810212, MONDO:0014288, OMIM 615636.

Allele frequency attached by ClinVar (database versions not stated): gnomAD 0.00001; gnomAD exomes 0.00001; TOPMed 0.00001.
gnomAD v4.1: 13 of 1,596,620 alleles (0.00081%); highest among the groups gnomAD compares: Middle Eastern, 0.017%; no homozygotes.

Submission:

Labcorp Genetics (formerly Invitae), Labcorp
Classification: Uncertain significance for Joubert syndrome 21. Last evaluated: 2022-04-25. Review status: criteria provided, single submitter. Criteria: Invitae Variant Classification Sherloc (09022015). Collection method: clinical testing. Allele origin: germline.
Comment: This variant is not present in population databases (gnomAD no frequency). This sequence change replaces glutamic acid, which is acidic and polar, with glutamine, which is neutral and polar, at codon 788 of the CSPP1 protein (p.Glu788Gln). In summary, the available evidence is currently insufficient to determine the role of this variant in disease. Therefore, it has been classified as a Variant of Uncertain Significance. Algorithms developed to predict the effect of missense changes on protein structure and function are either unavailable or do not agree on the potential impact of this missense change (SIFT: "Tolerated"; PolyPhen-2: "Possibly Damaging"; Align-GVGD: "Class C0"). This variant has not been reported in the literature in individuals affected with CSPP1-related conditions.